The following is an entry in ClinVar:

NM_001923.5(DDB1):c.762G>T (p.Lys254Asn)

Gene: DDB1 (damage specific DNA binding protein 1; minus strand). Cytogenetic location: 11q12.2.
Variant type: single nucleotide variant.
Coding change: c.762G>T on transcript NM_001923.5 (MANE Select); coding-DNA position 762, G replaced by T.
Protein change: p.Lys254Asn; replaces lysine 254 with asparagine.
Molecular consequence: missense variant.
Genome position (GRCh38, 1-based): chr11:61,325,611, C>A on the plus strand (G>T on the coding strand, the complement: DDB1 is on the minus strand). VCF-style: chr11-61325611-C-A. GRCh37 (hg19) VCF-style: chr11-61093083-C-A.
Other names: short protein forms K254N.
Identifiers: ClinVar variation 4074418 (VCV004074418.1).
Genomic context (GRCh38, chr11:61,325,611, plus strand): 5'-GAGCAAGGTGAGGACAAGGAAAGAAAAGATGAAAGGAAAAAAAGGTAGGACTGCGCTCAC[C>A]TTGATGATAGGAGGGGCAATAGCCAGGTATTTGTCACCATTGTGATAGGTGATTGACTCC-3'
Protein context (NP_001914.3, residues 244-264): KYLAIAPPII[Lys254Asn]QSTIVCHNRV

ClinVar aggregate classification (germline): Uncertain significance (1 of 4 stars; one submission).

Submission:

GeneDx
Classification: Uncertain significance. Last evaluated: 2025-02-10. Review status: criteria provided, single submitter. Criteria: GeneDx Variant Classification Process June 2021. Collection method: clinical testing. Allele origin: germline. Affected: yes.
Comment: Not observed at significant frequency in large population cohorts (gnomAD); In silico analysis supports that this missense variant has a deleterious effect on protein structure/function; Has not been previously published as pathogenic or benign to our knowledge